The following is an entry in ClinVar:

ClinVar aggregate classification (germline): Likely benign. Review status: criteria provided, single submitter (1 of 4 stars). 2 submissions from 2 submitters: Likely benign (1). 1 of the submissions does not count toward it. Last evaluated 2025-09-29.

Conditions:
IFT172-related disorder. Also called: IFT172-related disorders; IFT172-related condition.
Short-rib thoracic dysplasia 10 with or without polydactyly (SRTD10). Identifiers: Orphanet 474, MedGen C3810175, MONDO:0014284, OMIM 615630.
Retinitis pigmentosa 71 (RP71). Identifiers: Orphanet 791, MedGen C4225342, MONDO:0014618, OMIM 616394.

Allele frequency attached by ClinVar (database versions not stated): gnomAD 0.00002; TOPMed 0.00004; 1000 Genomes Project 30x 0.00016.
gnomAD v4.1: 41 of 1,614,152 alleles (0.0025%); highest among the groups gnomAD compares: East Asian, 0.053%; no homozygotes.

Submissions (3):

Labcorp Genetics (formerly Invitae), Labcorp
Classification: Likely benign for Retinitis pigmentosa 71; Short-rib thoracic dysplasia 10 with or without polydactyly. Last evaluated: 2025-09-29. Review status: criteria provided, single submitter. Criteria: Invitae Variant Classification Sherloc (09022015). Collection method: clinical testing. Allele origin: germline.

PreventionGenetics, part of Exact Sciences
Classification: Likely benign for IFT172-related condition. Last evaluated: 2022-03-17. Review status: no assertion criteria provided. Collection method: clinical testing. Allele origin: germline. Not counted in ClinVar's aggregate classification.
Comment: This variant is classified as likely benign based on ACMG/AMP sequence variant interpretation guidelines (Richards et al. 2015 PMID: 25741868, with internal and published modifications).

Dr. Peter K. Rogan Lab, Western University
No classification provided (evidence only). Condition: Hepatocellular carcinoma. Review status: no classification provided. Collection method: in vitro. Allele origin: not applicable. Functional consequence: retained intron. Not counted in ClinVar's aggregate classification.

NM_015662.3(IFT172):c.3987A>G (p.Gln1329=)

Gene: IFT172 (intraflagellar transport 172; minus strand). Cytogenetic location: 2p23.3.
Variant type: single nucleotide variant.
Coding change: c.3987A>G on transcript NM_015662.3 (MANE Select); coding-DNA position 3987, A replaced by G.
Protein change: p.Gln1329=; no amino-acid change (glutamine 1329 retained).
Molecular consequence: synonymous variant.
Genome position (GRCh38, 1-based): chr2:27,450,061, T>C on the plus strand (A>G on the coding strand, the complement: IFT172 is on the minus strand). VCF-style: chr2-27450061-T-C. GRCh37 (hg19) VCF-style: chr2-27672928-T-C.
Identifiers: ClinVar variation 731205 (VCV000731205.12), dbSNP rs768705269, ClinGen allele CA1579770.